The following is an entry in ClinVar:

ClinVar aggregate classification (germline): Uncertain significance (1 of 4 stars; one submission).

gnomAD v4.1: 5 of 1,605,500 alleles (0.00031%); highest among the groups gnomAD compares: South Asian, 0.0055%; no homozygotes.

Submission:

Labcorp Genetics (formerly Invitae), Labcorp
Classification: Uncertain significance. Last evaluated: 2025-08-07. Review status: criteria provided, single submitter. Criteria: Invitae Variant Classification Sherloc (09022015). Collection method: clinical testing. Allele origin: germline.
Comment: This sequence change replaces leucine, which is neutral and non-polar, with valine, which is neutral and non-polar, at codon 273 of the IL6R protein (p.Leu273Val). This variant is present in population databases (no rsID available, gnomAD 0.003%). This variant has not been reported in the literature in individuals affected with IL6R-related conditions. An algorithm developed to predict the effect of missense changes on protein structure and function (PolyPhen-2) suggests that this variant is likely to be tolerated. In summary, the available evidence is currently insufficient to determine the role of this variant in disease. Therefore, it has been classified as a Variant of Uncertain Significance.

NM_000565.4(IL6R):c.817C>G (p.Leu273Val)

Gene: IL6R (interleukin 6 receptor; plus strand). Cytogenetic location: 1q21.3.
Variant type: single nucleotide variant.
Coding change: c.817C>G on transcript NM_000565.4 (MANE Select); coding-DNA position 817, C replaced by G.
Protein change: p.Leu273Val; replaces leucine 273 with valine.
Molecular consequence: missense variant.
Genome position (GRCh38, 1-based): chr1:154,435,978, C>G. VCF-style: chr1-154435978-C-G. GRCh37 (hg19) VCF-style: chr1-154408454-C-G.
Other names: c.817C>G, p.Leu273Val (NM_001382770.1, NM_001382771.1, NM_001206866.2 and 3 more transcripts); c.811C>G, p.Leu271Val (NM_001382772.1); c.457C>G, p.Leu153Val (NM_001382774.1); short protein forms L273V, L153V, L271V.
Identifiers: ClinVar variation 4764695 (VCV004764695.1).